The following is an entry in ClinVar:

NM_006412.4(AGPAT2):c.662-2A>C

Gene: AGPAT2 (1-acylglycerol-3-phosphate O-acyltransferase 2; minus strand). Cytogenetic location: 9q34.3.
Variant type: single nucleotide variant.
Coding change: c.662-2A>C on transcript NM_006412.4 (MANE Select); the canonical splice acceptor site of the intron before coding-DNA position 662, A replaced by C.
Molecular consequence: splice acceptor variant.
Genome position (GRCh38, 1-based): chr9:136,673,929, T>G on the plus strand (A>C on the coding strand, the complement: AGPAT2 is on the minus strand). VCF-style: chr9-136673929-T-G. GRCh37 (hg19) VCF-style: chr9-139568381-T-G.
Other names: c.566-2A>C (NM_001012727.2).
Identifiers: ClinVar variation 430117 (VCV000430117.4), dbSNP rs1131691791, ClinGen allele CA375577854.

ClinVar aggregate classification (germline): Pathogenic/Likely pathogenic. Review status: criteria provided, multiple submitters, no conflicts (2 of 4 stars). 3 submissions from 3 submitters: Pathogenic (2); Likely pathogenic (1). Last evaluated 2024-01-17.

Conditions:
Congenital generalized lipodystrophy type 1 (CGL1). Also called: BRUNZELL SYNDROME, AGPAT2-RELATED; Berardinelli-Seip Congenital Lipodystrophy Type 1. Identifiers: Orphanet 528, Orphanet 696189, MedGen C1720862, MONDO:0012071, OMIM 608594.

Allele frequency attached by ClinVar (database versions not stated): gnomAD exomes 0.00001; TOPMed 0.00001.
gnomAD v4.1: 10 of 1,558,818 alleles (0.00064%); highest among the groups gnomAD compares: Admixed American, 0.0018%; no homozygotes.

Submissions (3):

3billion
Classification: Pathogenic for Congenital generalized lipodystrophy type 1. Last evaluated: 2024-01-17. Review status: criteria provided, single submitter. Criteria: ACMG Guidelines, 2015. Collection method: clinical testing. Allele origin: germline. Affected: yes.
Comment: The variant is observed at an extremely low frequency in the gnomAD v2.1.1 dataset (total allele frequency: <0.001%). Predicted Consequence/Location: Canonical splice site: predicted to alter splicing and result in a loss or disruption of normal protein function. The predicted truncated protein may be shortened by more than 10%. In silico tools predict the variant to alter splicing and produce an abnormal transcript [Splice AI: 1.00 (spliceogenicity >=0.2, non-spliceogenicity <0.1)]. The variant has been reported to co-segregate with the disease in at least 3 similarly affected relatives/individuals in the same family or similarly affected unrelated family (PMID: 11967537). The variant has been reported at least twice as pathogenic without evidence for the classification (ClinVar ID: VCV000430117 /PMID: 11967537). Therefore, this variant is classified as Pathogenic according to the recommendation of ACMG/AMP guideline.

Fulgent Genetics
Classification: Likely pathogenic for Congenital generalized lipodystrophy type 1. Last evaluated: 2021-10-14. Review status: criteria provided, single submitter. Criteria: ACMG Guidelines, 2015. Collection method: clinical testing. Allele origin: unknown.

GeneDx
Classification: Pathogenic. Last evaluated: 2017-05-19. Review status: criteria provided, single submitter. Criteria: GeneDx Variant Classification (06012015). Collection method: clinical testing. Allele origin: germline. Affected: yes.
Comment: The c.662-2A>C variant in the AGPAT2 gene has been reported previously in the homozygous state in an individual with Berardinelli-Seip syndrome (Agarwal et al., 2002). This splice site variant destroys the canonical splice acceptor site in intron 5. It is predicted to cause abnormal gene splicing, either leading to an abnormal message that is subject to nonsense-mediated mRNA decay, or to an abnormal protein product if the message is used for protein translation. The c.662-2A>C variant is not observed in large population cohorts (Lek et al., 2016; 1000 Genomes Consortium et al., 2015; Exome Variant Server). We interpret c.662-2A>C as a pathogenic variant.

Literature cited by the submitters: PubMed 11967537 (cited by 3billion).